The following is an entry in ClinVar:

ClinVar aggregate classification (germline): Likely pathogenic (1 of 4 stars; one submission).

Conditions:
Cone-rod dystrophy 2 (CORD2). Also called: CONE-ROD RETINAL DYSTROPHY; Cone-rod retinal dystrophy 2. Identifiers: Orphanet 1872, MedGen C3489532, MONDO:0007362, OMIM 120970.
Leber congenital amaurosis 7 (LCA7). Identifiers: Orphanet 65, MedGen C3151192, MONDO:0013449, OMIM 613829.

Submission:

Labcorp Genetics (formerly Invitae), Labcorp
Classification: Likely pathogenic for Cone-rod dystrophy 2; Leber congenital amaurosis 7. Last evaluated: 2024-10-22. Review status: criteria provided, single submitter. Criteria: Invitae Variant Classification Sherloc (09022015). Collection method: clinical testing. Allele origin: germline.
Comment: This sequence change creates a premature translational stop signal (p.Tyr258*) in the CRX gene. While this is not anticipated to result in nonsense mediated decay, it is expected to disrupt the last 42 amino acid(s) of the CRX protein. This variant is not present in population databases (gnomAD no frequency). This premature translational stop signal has been observed in individuals with autosomal dominant CRX-related conditions (PMID: 22968130, 25270190). It has also been observed to segregate with disease in related individuals. ClinVar contains an entry for this variant (Variation ID: 1479901). In summary, the currently available evidence indicates that the variant is pathogenic, but additional data are needed to prove that conclusively. Therefore, this variant has been classified as Likely Pathogenic.

Literature cited by the submitters: PubMed 22968130; PubMed 25270190.

NM_000554.6(CRX):c.774T>A (p.Tyr258Ter)

Gene: CRX (cone-rod homeobox; plus strand). Cytogenetic location: 19q13.33.
Variant type: single nucleotide variant.
Coding change: c.774T>A on transcript NM_000554.6 (MANE Select); coding-DNA position 774, T replaced by A.
Protein change: p.Tyr258Ter; replaces tyrosine 258 with a stop codon.
Molecular consequence: nonsense.
Genome position (GRCh38, 1-based): chr19:47,839,841, T>A. VCF-style: chr19-47839841-T-A. GRCh37 (hg19) VCF-style: chr19-48343098-T-A.
Other names: short protein forms Y258*.
Identifiers: ClinVar variation 1479901 (VCV001479901.6), dbSNP rs767273026, ClinGen allele CA406631763.